The following is an entry in ClinVar:

NM_001267550.2(TTN):c.67615_67616del (p.Val22539fs)

Genes: TTN (titin; minus strand), TTN-AS1 (TTN antisense RNA 1; plus strand), LOC126806423 (CDK7 strongly-dependent group 2 enhancer GRCh37_chr2:179443309-179444508; plus strand). Cytogenetic location: 2q31.2.
Variant type: Deletion.
Coding change: c.67615_67616del on transcript NM_001267550.2 (MANE Select); coding-DNA positions 67615 to 67616, 2 bases deleted (GT; older notation c.67615_67616delGT).
Protein change: p.Val22539fs; shifts the reading frame from valine 22539.
Molecular consequence: frameshift variant.
Genome position (GRCh38, 1-based): chr2:178,579,581-178,579,582, AC deleted on the plus strand (GT on the coding strand, the reverse complement: TTN is on the minus strand); deleting any 2 consecutive bases within chr2:178,579,581-178,579,583 gives the same sequence; the c. name uses the placement nearest the transcript's 3' end. VCF-style (leftmost placement, unchanged base first): chr2-178579580-AAC-A. GRCh37 (hg19) VCF-style: chr2-179444307-AAC-A.
Other names: c.62692_62693del, p.Val20898fs (NM_001256850.1); c.40420_40421del, p.Val13474fs (NM_003319.4); c.59911_59912del, p.Val19971fs (NM_133378.4); c.40795_40796del, p.Val13599fs (NM_133432.3); c.40996_40997del, p.Val13666fs (NM_133437.4); short protein forms V13474fs, V13599fs, V13666fs, V19971fs, V20898fs, V22539fs.
Identifiers: ClinVar variation 3776091 (VCV003776091.1).

ClinVar aggregate classification (germline): Likely pathogenic (1 of 4 stars; one submission).

Conditions:
Dilated cardiomyopathy 1G (CMD1G). Identifiers: Orphanet 154, MedGen C1858763, MONDO:0011400, OMIM 604145.

Submission:

3billion
Classification: Likely pathogenic for Dilated cardiomyopathy 1G. Last evaluated: 2023-11-15. Review status: criteria provided, single submitter. Criteria: ACMG Guidelines, 2015. Collection method: clinical testing. Allele origin: germline. Affected: yes.
Comment: The variant is not observed in the gnomAD v2.1.1 dataset. Predicted Consequence/Location: Frameshift: predicted to result in a loss or disruption of normal protein function through nonsense-mediated decay (NMD) or protein truncation. Multiple pathogenic variants are reported downstream of the variant. None. Therefore, this variant is classified as Likely pathogenic according to the recommendation of ACMG/AMP guideline.